The following is an entry in ClinVar:

NC_000009.11:g.(?_135804134)_(135804339_?)dup

Gene: TSC1 (TSC complex subunit 1; minus strand). Cytogenetic location: 9q34.13.
Variant type: Duplication.
Identifiers: ClinVar variation 3245193 (VCV003245193.1).

ClinVar aggregate classification (germline): Uncertain significance (1 of 4 stars; one submission).

Conditions:
Tuberous sclerosis 1 (TSC1). Identifiers: Orphanet 805, MedGen C1854465, MONDO:0008612, OMIM 191100.

Submission:

Labcorp Genetics (formerly Invitae), Labcorp
Classification: Uncertain significance for Tuberous sclerosis 1. Last evaluated: 2024-01-18. Review status: criteria provided, single submitter. Criteria: Invitae Variant Classification Sherloc (09022015). Collection method: clinical testing. Allele origin: unknown.
Comment: This variant results in a copy number gain of the genomic region encompassing exon(s) 3 of the TSC1 gene. This region includes the initiator codon of the gene. This copy number gain extends beyond the assayed region for this gene and therefore may encompass additional genes. As the precise location of this event is unknown, it may be in tandem or it may be located elsewhere in the genome. A similar copy number variant has been observed in individual(s) with testicular, prostate, and lung cancer (PMID: 29909963). In summary, the available evidence is currently insufficient to determine the role of this variant in disease. Therefore, it has been classified as a Variant of Uncertain Significance.

Literature cited by the submitters: PubMed 29909963.